The following is an entry in ClinVar:

ClinVar aggregate classification (germline): Uncertain significance (1 of 4 stars; one submission).

Conditions:
Congenital adrenal hypoplasia, X-linked (AHC). Also called: Isolated X-Linked Adrenal Hypoplasia Congenita; X-linked AHC; X-Linked Adrenal Hypoplasia Congenita; ADRENAL HYPOPLASIA, CONGENITAL, WITH HYPOGONADOTROPIC HYPOGONADISM. Identifiers: Orphanet 95702, MedGen C0342482, MONDO:0010264, OMIM 300200. Disease mechanism: loss of function.
46,XY sex reversal 2. Also called: Dosage-sensitive sex reversal; NR0B1-Related 46,XY CGD; NR0B1-related 46,XY complete gonadal dysgenesis; 46XY sex reversal 2, dosage-sensitive; 46,XY SEX REVERSAL, DAX1-RELATED. Identifiers: MedGen C1848296, MONDO:0010226, OMIM 300018.

Allele frequency attached by ClinVar (database versions not stated): TOPMed 0.00001; gnomAD exomes 0.00005.

Submission:

Labcorp Genetics (formerly Invitae), Labcorp
Classification: Uncertain significance for Congenital adrenal hypoplasia, X-linked; 46,XY sex reversal 2. Last evaluated: 2022-06-20. Review status: criteria provided, single submitter. Criteria: Invitae Variant Classification Sherloc (09022015). Collection method: clinical testing. Allele origin: germline.
Comment: This sequence change replaces glycine, which is neutral and non-polar, with aspartic acid, which is acidic and polar, at codon 330 of the NR0B1 protein (p.Gly330Asp). This variant is not present in population databases (gnomAD no frequency). This variant has not been reported in the literature in individuals affected with NR0B1-related conditions. Advanced modeling of protein sequence and biophysical properties (such as structural, functional, and spatial information, amino acid conservation, physicochemical variation, residue mobility, and thermodynamic stability) performed at Invitae indicates that this missense variant is not expected to disrupt NR0B1 protein function. In summary, the available evidence is currently insufficient to determine the role of this variant in disease. Therefore, it has been classified as a Variant of Uncertain Significance.

NM_000475.5(NR0B1):c.989G>A (p.Gly330Asp)

Gene: NR0B1 (nuclear receptor subfamily 0 group B member 1; minus strand). Cytogenetic location: Xp21.2.
Variant type: single nucleotide variant.
Coding change: c.989G>A on transcript NM_000475.5 (MANE Select); coding-DNA position 989, G replaced by A.
Protein change: p.Gly330Asp; replaces glycine 330 with aspartic acid.
Molecular consequence: missense variant.
Genome position (GRCh38, 1-based): chrX:30,308,375, C>T on the plus strand (G>A on the coding strand, the complement: NR0B1 is on the minus strand). VCF-style: chrX-30308375-C-T. GRCh37 (hg19) VCF-style: chrX-30326492-C-T.
Other names: short protein forms G330D.
Identifiers: ClinVar variation 2149697 (VCV002149697.1), dbSNP rs1926565735, ClinGen allele CA412547014.